The following is an entry in ClinVar:

NM_015046.7(SETX):c.1856A>G (p.Tyr619Cys)

Gene: SETX (senataxin; minus strand). Cytogenetic location: 9q34.13.
Variant type: single nucleotide variant.
Coding change: c.1856A>G on transcript NM_015046.7 (MANE Select); coding-DNA position 1856, A replaced by G.
Protein change: p.Tyr619Cys; replaces tyrosine 619 with cysteine.
Molecular consequence: missense variant.
Genome position (GRCh38, 1-based): chr9:132,329,742, T>C on the plus strand (A>G on the coding strand, the complement: SETX is on the minus strand). VCF-style: chr9-132329742-T-C. GRCh37 (hg19) VCF-style: chr9-135205129-T-C.
Other names: c.1856A>G, p.Tyr619Cys (NM_001351527.2, NM_001351528.2); short protein forms Y619C.
Identifiers: ClinVar variation 1781405 (VCV001781405.3), dbSNP rs1847101837, ClinGen allele CA375338284.

ClinVar aggregate classification (germline): Uncertain significance. Review status: criteria provided, multiple submitters, no conflicts (2 of 4 stars). 2 submissions from 2 submitters: Uncertain significance (2). Last evaluated 2022-03-11.

Conditions:
Inborn genetic diseases. Identifiers: MedGen C0950123, MeSH D030342.

Allele frequency attached by ClinVar (database versions not stated): gnomAD exomes below 0.00001; TOPMed below 0.00001.
gnomAD v4.1: 3 of 1,614,128 alleles (0.00019%); highest among the groups gnomAD compares: East Asian, 0.0022%; no homozygotes.

Submissions (2):

Blueprint Genetics
Classification: Uncertain significance. Last evaluated: 2022-03-11. Review status: criteria provided, single submitter. Criteria: ACMG Guidelines, 2015. Collection method: clinical testing. Allele origin: germline.

Ambry Genetics
Classification: Uncertain significance for Inborn genetic diseases. Last evaluated: 2019-09-27. Review status: criteria provided, single submitter. Criteria: Ambry Variant Classification Scheme 2023. Collection method: clinical testing. Allele origin: germline.
Comment: The p.Y619C variant (also known as c.1856A>G), located in coding exon 8 of the SETX gene, results from an A to G substitution at nucleotide position 1856. The tyrosine at codon 619 is replaced by cysteine, an amino acid with highly dissimilar properties. This amino acid position is not well conserved in available vertebrate species. In addition, this alteration is predicted to be tolerated by in silico analysis. Since supporting evidence is limited at this time, the clinical significance of this alteration remains unclear.